The following is an entry in ClinVar:

ClinVar aggregate classification (germline): Uncertain significance (1 of 4 stars; one submission).

Conditions:
DOCK2 deficiency. Also called: Immunodeficiency 40. Identifiers: Orphanet 447737, MedGen C4225328, MONDO:0014637, OMIM 616433.

Allele frequency attached by ClinVar (database versions not stated): TOPMed below 0.00001; ExAC 0.00001; gnomAD exomes 0.00001.
gnomAD v4.1: 16 of 1,613,906 alleles (0.00099%); highest among the groups gnomAD compares: South Asian, 0.0022%; no homozygotes.

Submission:

Labcorp Genetics (formerly Invitae), Labcorp
Classification: Uncertain significance for DOCK2 deficiency. Last evaluated: 2024-11-05. Review status: criteria provided, single submitter. Criteria: Invitae Variant Classification Sherloc (09022015). Collection method: clinical testing. Allele origin: germline.
Comment: This sequence change falls in intron 35 of the DOCK2 gene. It does not directly change the encoded amino acid sequence of the DOCK2 protein. It affects a nucleotide within the consensus splice site. This variant is present in population databases (rs558014983, gnomAD 0.003%). This variant has not been reported in the literature in individuals affected with DOCK2-related conditions. ClinVar contains an entry for this variant (Variation ID: 2964513). Variants that disrupt the consensus splice site are a relatively common cause of aberrant splicing (PMID: 17576681, 9536098). Algorithms developed to predict the effect of sequence changes on RNA splicing suggest that this variant is not likely to affect RNA splicing. In summary, the available evidence is currently insufficient to determine the role of this variant in disease. Therefore, it has been classified as a Variant of Uncertain Significance.

Literature cited by the submitters: PubMed 17576681; PubMed 9536098.

NM_004946.3(DOCK2):c.3624+4C>T

Gene: DOCK2 (dedicator of cytokinesis 2; plus strand). Cytogenetic location: 5q35.1.
Variant type: single nucleotide variant.
Coding change: c.3624+4C>T on transcript NM_004946.3 (MANE Select); 4 bases into the intron after coding-DNA position 3624, C replaced by T.
Molecular consequence: intron variant.
Genome position (GRCh38, 1-based): chr5:170,034,559, C>T. VCF-style: chr5-170034559-C-T. GRCh37 (hg19) VCF-style: chr5-169461563-C-T.
Identifiers: ClinVar variation 2964513 (VCV002964513.3), dbSNP rs558014983, ClinGen allele CA3554255.
Genomic context (GRCh38, chr5:170,034,559, plus strand): 5'-GGTGTGATGACAGATGAGAGCAAAGACAACCGCATGAGCTGCACCGTGAACCTGCTGGTG[C>T]GTGGGGCTGGCGGGTCCAAGTCAGACCAGAACCCTGTGGGGGGGCTTGGGCTTGGCTTTG-3'